The following is an entry in ClinVar:

NM_006978.3(RNF113A):c.197T>A (p.Met66Lys)

Genes: RNF113A (ring finger protein 113A; minus strand), NDUFA1 (NADH:ubiquinone oxidoreductase subunit A1; plus strand). Cytogenetic location: Xq24.
Variant type: single nucleotide variant.
Coding change: c.197T>A on transcript NM_006978.3 (MANE Select); coding-DNA position 197, T replaced by A.
Protein change: p.Met66Lys; replaces methionine 66 with lysine.
Molecular consequence: missense variant.
Genome position (GRCh38, 1-based): chrX:119,871,417, A>T on the plus strand (T>A on the coding strand, the complement: RNF113A is on the minus strand). VCF-style: chrX-119871417-A-T. GRCh37 (hg19) VCF-style: chrX-119005380-A-T.
Other names: short protein forms M66K.
Identifiers: ClinVar variation 1431651 (VCV001431651.9), dbSNP rs779018953, ClinGen allele CA10503492.
Genomic context (GRCh38, chrX:119,871,417, plus strand): 5'-TCGCTGCTCAAGTCGCCGTAAGCCGCCTTCTGTTTACCACTGTCACGGGTCTTCTGTATC[A>T]TTGGATTGTGGGTCACCCGCTTCTTTTCCGGTCGAACCACAGTGCAGCCTTCGTCGCTAC-3'
Protein context (NP_008909.1, residues 56-76): PEKKRVTHNP[Met66Lys]IQKTRDSGKQ

ClinVar aggregate classification (germline): Uncertain significance. Review status: criteria provided, multiple submitters, no conflicts (2 of 4 stars). 2 submissions from 2 submitters: Uncertain significance (2). Last evaluated 2025-11-05.

Allele frequency attached by ClinVar (database versions not stated): ExAC 0.00001; gnomAD exomes 0.00001.
gnomAD v4.1: 7 of 1,211,317 alleles (0.00058%); highest among the groups gnomAD compares: Non-Finnish European, 0.00078%; no homozygotes.

Submissions (2):

Labcorp Genetics (formerly Invitae), Labcorp
Classification: Uncertain significance. Last evaluated: 2025-11-05. Review status: criteria provided, single submitter. Criteria: Invitae Variant Classification Sherloc (09022015). Collection method: clinical testing. Allele origin: germline.
Comment: This sequence change replaces methionine, which is neutral and non-polar, with lysine, which is basic and polar, at codon 66 of the RNF113A protein (p.Met66Lys). This variant is present in population databases (rs779018953, gnomAD 0.001%). This variant has not been reported in the literature in individuals affected with RNF113A-related conditions. ClinVar contains an entry for this variant (Variation ID: 1431651). Invitae Evidence Modeling of protein sequence and biophysical properties (such as structural, functional, and spatial information, amino acid conservation, physicochemical variation, residue mobility, and thermodynamic stability) indicates that this missense variant is expected to disrupt RNF113A protein function with a positive predictive value of 80%. In summary, the available evidence is currently insufficient to determine the role of this variant in disease. Therefore, it has been classified as a Variant of Uncertain Significance.

GeneDx
Classification: Uncertain significance. Last evaluated: 2023-11-10. Review status: criteria provided, single submitter. Criteria: GeneDx Variant Classification Process June 2021. Collection method: clinical testing. Allele origin: germline. Affected: yes.
Comment: Has not been previously published as pathogenic or benign to our knowledge; Not observed at significant frequency in large population cohorts (gnomAD); In silico analysis supports that this missense variant has a deleterious effect on protein structure/function